The following is an entry in ClinVar:

NM_015015.3(KDM4B):c.743C>G (p.Pro248Arg)

Gene: KDM4B (lysine demethylase 4B; plus strand). Cytogenetic location: 19p13.3.
Variant type: single nucleotide variant.
Coding change: c.743C>G on transcript NM_015015.3 (MANE Select); coding-DNA position 743, C replaced by G.
Protein change: p.Pro248Arg; replaces proline 248 with arginine.
Molecular consequence: missense variant.
Genome position (GRCh38, 1-based): chr19:5,077,433, C>G. VCF-style: chr19-5077433-C-G. GRCh37 (hg19) VCF-style: chr19-5077444-C-G.
Other names: c.743C>G, p.Pro248Arg (NM_001370093.1, NM_001370094.1, NM_001411148.1); short protein forms P248R.
Identifiers: ClinVar variation 4082693 (VCV004082693.1).

ClinVar aggregate classification (germline): Uncertain significance (1 of 4 stars; one submission).

Submission:

GeneDx
Classification: Uncertain significance. Last evaluated: 2025-03-03. Review status: criteria provided, single submitter. Criteria: GeneDx Variant Classification Process June 2021. Collection method: clinical testing. Allele origin: germline. Affected: yes.
Comment: Not observed at significant frequency in large population cohorts (gnomAD); In silico analysis supports that this missense variant has a deleterious effect on protein structure/function; Has not been previously published as pathogenic or benign to our knowledge